The following is an entry in ClinVar:

ClinVar aggregate classification (germline): Pathogenic (1 of 4 stars; one submission).

Conditions:
Cohen syndrome (COH1). Also called: Cutis verticis gyrata, retinitis pigmentosa, and sensorineural deafness; PEPPER SYNDROME. Identifiers: Orphanet 193, MedGen C0265223, MONDO:0008999, OMIM 216550.

Submission:

Labcorp Genetics (formerly Invitae), Labcorp
Classification: Pathogenic for Cohen syndrome. Last evaluated: 2023-10-28. Review status: criteria provided, single submitter. Criteria: Invitae Variant Classification Sherloc (09022015). Collection method: clinical testing. Allele origin: unknown.
Comment: This variant is a gross deletion of the genomic region encompassing exon(s) 24-30 of the VPS13B gene. This deletion is out-of-frame, and is expected to create a premature termination codon and result in an absent or disrupted protein product. Loss-of-function variants in VPS13B are known to be pathogenic (PMID: 15141358, 16648375, 20461111). A similar copy number variant has been observed in individual(s) with clinical features of Cohen syndrome (PMID: 28631888). For these reasons, this variant has been classified as Pathogenic.

Literature cited by the submitters: PubMed 15141358; PubMed 16648375; PubMed 20461111; PubMed 28631888.

NC_000008.10:g.(?_100479619)_(100533258_?)del

Gene: VPS13B (vacuolar protein sorting 13 homolog B; plus strand). Cytogenetic location: 8q22.2.
Variant type: Deletion.
Identifiers: ClinVar variation 3245446 (VCV003245446.1).